The following is an entry in ClinVar:

ClinVar aggregate classification (germline): Conflicting classifications of pathogenicity. Review status: criteria provided, conflicting classifications (1 of 4 stars). 4 submissions from 4 submitters: Uncertain significance (1); Benign (1); Likely benign (2). Last evaluated 2024-09-28.

Conditions:
Ehlers-Danlos syndrome, classic type, 1 (EDSCL1). Also called: Ehlers-Danlos Syndrome, Classic Type, COL5A1-Related; EDS I; Ehlers-Danlos syndrome, type 1; EHLERS-DANLOS SYNDROME, GRAVIS TYPE; EHLERS-DANLOS SYNDROME, SEVERE CLASSIC TYPE. Identifiers: MedGen C0268335, MONDO:0019567, OMIM 130000.

Allele frequency attached by ClinVar (database versions not stated): TOPMed below 0.00001; gnomAD 0.00001; gnomAD exomes 0.00001 and 0.00004; ExAC 0.00004.
gnomAD v4.1: 24 of 1,613,888 alleles (0.0015%); highest among the groups gnomAD compares: South Asian, 0.0066%; no homozygotes.

Submissions (4):

Labcorp Genetics (formerly Invitae), Labcorp
Classification: Benign for Ehlers-Danlos syndrome, classic type, 1. Last evaluated: 2024-09-28. Review status: criteria provided, single submitter. Criteria: Invitae Variant Classification Sherloc (09022015). Collection method: clinical testing. Allele origin: germline.

CeGaT Center for Human Genetics Tuebingen
Classification: Likely benign. Last evaluated: 2024-04-01. Review status: criteria provided, single submitter. Criteria: CeGaT Center For Human Genetics Tuebingen Variant Classification Criteria Version 2. Collection method: clinical testing. Allele origin: germline. Affected: yes. Observed: 2 variant alleles.
Comment: COL5A1: BS2

Blueprint Genetics
Classification: Likely benign. Last evaluated: 2023-11-28. Review status: criteria provided, single submitter. Criteria: ACMG Guidelines, 2015. Collection method: clinical testing. Allele origin: germline.

GeneDx
Classification: Uncertain significance. Last evaluated: 2023-11-10. Review status: criteria provided, single submitter. Criteria: GeneDx Variant Classification Process June 2021. Collection method: clinical testing. Allele origin: germline. Affected: yes.
Comment: In silico analysis supports that this missense variant has a deleterious effect on protein structure/function; Not located in the triple helical region, where the majority of pathogenic missense variants occur (PMID: 22696272; HGMD); This variant is associated with the following publications: (PMID: 22696272, 32024714)

NM_000093.5(COL5A1):c.691C>T (p.Arg231Trp)

Gene: COL5A1 (collagen type V alpha 1 chain; plus strand). Cytogenetic location: 9q34.3.
Variant type: single nucleotide variant.
Coding change: c.691C>T on transcript NM_000093.5 (MANE Select); coding-DNA position 691, C replaced by T.
Protein change: p.Arg231Trp; replaces arginine 231 with tryptophan.
Molecular consequence: missense variant.
Genome position (GRCh38, 1-based): chr9:134,727,302, C>T. VCF-style: chr9-134727302-C-T. GRCh37 (hg19) VCF-style: chr9-137619148-C-T.
Other names: c.691C>T, p.Arg231Trp (NM_001278074.1); short protein forms R231W.
Identifiers: ClinVar variation 624376 (VCV000624376.54), dbSNP rs775853003, ClinGen allele CA5318496.